The following is an entry in ClinVar:

ClinVar aggregate classification (germline): Uncertain significance (1 of 4 stars; one submission).

Submission:

Labcorp Genetics (formerly Invitae), Labcorp
Classification: Uncertain significance. Last evaluated: 2024-02-09. Review status: criteria provided, single submitter. Criteria: Invitae Variant Classification Sherloc (09022015). Collection method: clinical testing. Allele origin: germline.
Comment: This sequence change falls in intron 10 of the SCN3A gene. It does not directly change the encoded amino acid sequence of the SCN3A protein. It affects a nucleotide within the consensus splice site. This variant is not present in population databases (gnomAD no frequency). This variant has not been reported in the literature in individuals affected with SCN3A-related conditions. Variants that disrupt the consensus splice site are a relatively common cause of aberrant splicing (PMID: 17576681, 9536098). Algorithms developed to predict the effect of sequence changes on RNA splicing suggest that this variant may disrupt the consensus splice site. In summary, the available evidence is currently insufficient to determine the role of this variant in disease. Therefore, it has been classified as a Variant of Uncertain Significance.

Literature cited by the submitters: PubMed 17576681; PubMed 9536098.

NM_006922.4(SCN3A):c.1173+2dup

Gene: SCN3A (sodium voltage-gated channel alpha subunit 3; minus strand). Cytogenetic location: 2q24.3.
Variant type: Duplication.
Coding change: c.1173+2dup on transcript NM_006922.4 (MANE Select); the canonical splice donor site of the intron after coding-DNA position 1173, one base duplicated (T; older notation c.1173+2dupT).
Molecular consequence: splice donor variant.
Genome position (GRCh38, 1-based): chr2:165,155,760, A duplicated on the plus strand (T on the coding strand, the reverse complement: SCN3A is on the minus strand). VCF-style (leftmost placement, unchanged base first): chr2-165155759-T-TA. GRCh37 (hg19) VCF-style: chr2-166012269-T-TA.
Other names: c.1173+2dup (NM_001081676.2, NM_001081677.2).
Identifiers: ClinVar variation 3639975 (VCV003639975.2).